The following is an entry in ClinVar:

NM_006231.4(POLE):c.1336C>G (p.Arg446Gly)

Gene: POLE (DNA polymerase epsilon, catalytic subunit; minus strand). Cytogenetic location: 12q24.33.
Variant type: single nucleotide variant.
Coding change: c.1336C>G on transcript NM_006231.4 (MANE Select); coding-DNA position 1336, C replaced by G.
Protein change: p.Arg446Gly; replaces arginine 446 with glycine.
Molecular consequence: missense variant.
Genome position (GRCh38, 1-based): chr12:132,673,598, G>C on the plus strand (C>G on the coding strand, the complement: POLE is on the minus strand). VCF-style: chr12-132673598-G-C. GRCh37 (hg19) VCF-style: chr12-133250184-G-C.
Other names: short protein forms R446G.
Identifiers: ClinVar variation 1027236 (VCV001027236.11), dbSNP rs200403177, ClinGen allele CA387359191.

ClinVar aggregate classification (germline): Uncertain significance. Review status: criteria provided, multiple submitters, no conflicts (2 of 4 stars). 2 submissions from 2 submitters: Uncertain significance (2). Last evaluated 2025-04-30.

Conditions:
Hereditary cancer-predisposing syndrome. Also called: Neoplastic Syndromes, Hereditary; Tumor predisposition; Hereditary Cancer Syndrome; Hereditary neoplastic syndrome. Identifiers: Orphanet 140162, MedGen C0027672, MeSH D009386, MONDO:0015356.

Submissions (2):

Labcorp Genetics (formerly Invitae), Labcorp
Classification: Uncertain significance. Last evaluated: 2025-04-30. Review status: criteria provided, single submitter. Criteria: Invitae Variant Classification Sherloc (09022015). Collection method: clinical testing. Allele origin: germline.
Comment: This sequence change replaces arginine, which is basic and polar, with glycine, which is neutral and non-polar, at codon 446 of the POLE protein (p.Arg446Gly). This variant is not present in population databases (gnomAD no frequency). This variant has not been reported in the literature in individuals affected with POLE-related conditions. ClinVar contains an entry for this variant (Variation ID: 1027236). Invitae Evidence Modeling of protein sequence and biophysical properties (such as structural, functional, and spatial information, amino acid conservation, physicochemical variation, residue mobility, and thermodynamic stability) indicates that this missense variant is expected to disrupt POLE protein function with a positive predictive value of 80%. In summary, the available evidence is currently insufficient to determine the role of this variant in disease. Therefore, it has been classified as a Variant of Uncertain Significance.

Ambry Genetics
Classification: Uncertain significance for Hereditary cancer-predisposing syndrome. Last evaluated: 2022-06-03. Review status: criteria provided, single submitter. Criteria: Ambry Variant Classification Scheme 2023. Collection method: clinical testing. Allele origin: germline.
Comment: The p.R446G variant (also known as c.1336C>G), located in coding exon 13 of the POLE gene, results from a C to G substitution at nucleotide position 1336. The arginine at codon 446 is replaced by glycine, an amino acid with dissimilar properties. This amino acid position is highly conserved in available vertebrate species. In addition, the in silico prediction for this alteration is inconclusive. Since supporting evidence is limited at this time, the clinical significance of this alteration remains unclear.